The following is an entry in ClinVar:

NM_000053.4(ATP7B):c.1819A>T (p.Lys607Ter)

Gene: ATP7B (ATPase copper transporting beta; minus strand). Cytogenetic location: 13q14.3.
Variant type: single nucleotide variant.
Coding change: c.1819A>T on transcript NM_000053.4 (MANE Select); coding-DNA position 1819, A replaced by T.
Protein change: p.Lys607Ter; replaces lysine 607 with a stop codon.
Molecular consequence: nonsense.
Genome position (GRCh38, 1-based): chr13:51,964,922, T>A on the plus strand (A>T on the coding strand, the complement: ATP7B is on the minus strand). VCF-style: chr13-51964922-T-A. GRCh37 (hg19) VCF-style: chr13-52539058-T-A.
Other names: c.1819A>T, p.Lys607Ter (NM_001005918.3, NM_001330578.2, NM_001330579.2); c.1486A>T, p.Lys496Ter (NM_001243182.2); short protein forms K496*, K607*.
Identifiers: ClinVar variation 983753 (VCV000983753.3), dbSNP rs1951466736, ClinGen allele CA388030261.
Genomic context (GRCh38, chr13:51,964,922, plus strand): 5'-AATTACTTACCTCAATAATTTTGATAATATCCCGTGGACCGATAATTTCCGGGTCAAACT[T>A]AACAAGGGCTTTGCTGGTGGCAAGGGCAACGGAGGCATAAGTGATGCCATTTGTCCTCGT-3'

ClinVar aggregate classification (germline): Likely pathogenic (1 of 4 stars; one submission).

Conditions:
Wilson disease (WND). Also called: Wilson's disease. Identifiers: Orphanet 905, MedGen C0019202, MONDO:0010200, OMIM 277900. Disease mechanism: loss of function.

Submission:

Myriad Genetics, Inc.
Classification: Likely pathogenic for Wilson disease. Last evaluated: 2019-12-05. Review status: criteria provided, single submitter. Criteria: Myriad Women's Health Autosomal Recessive and X-Linked Classification Criteria (2019). Collection method: clinical testing. Allele origin: unknown.
Comment: NM_000053.3(ATP7B):c.1819A>T(K607*) is expected to be pathogenic in the context of Wilson disease. This variant is predicted to lead to an abnormal or absent protein product due to the creation of a premature termination codon in ATP7B, a gene where loss-of-function variants are known to be pathogenic. Please note: this variant was assessed in the context of healthy population screening.